The following is an entry in ClinVar:

NM_002291.3(LAMB1):c.3233G>C (p.Gly1078Ala)

Gene: LAMB1 (laminin subunit beta 1; minus strand). Cytogenetic location: 7q31.1.
Variant type: single nucleotide variant.
Coding change: c.3233G>C on transcript NM_002291.3 (MANE Select); coding-DNA position 3233, G replaced by C.
Protein change: p.Gly1078Ala; replaces glycine 1078 with alanine.
Molecular consequence: missense variant.
Genome position (GRCh38, 1-based): chr7:107,952,070, C>G on the plus strand (G>C on the coding strand, the complement: LAMB1 is on the minus strand). VCF-style: chr7-107952070-C-G. GRCh37 (hg19) VCF-style: chr7-107592515-C-G.
Other names: short protein forms G1078A.
Identifiers: ClinVar variation 1311216 (VCV001311216.7), dbSNP rs757119614, ClinGen allele CA4435396.

ClinVar aggregate classification (germline): Uncertain significance. Review status: criteria provided, multiple submitters, no conflicts (2 of 4 stars). 3 submissions from 3 submitters: Uncertain significance (3). Last evaluated 2025-11-25.

Conditions:
Inborn genetic diseases. Identifiers: MedGen C0950123, MeSH D030342.

Allele frequency attached by ClinVar (database versions not stated): gnomAD 0.00004 and 0.00005; ExAC 0.00005; TOPMed 0.00006; gnomAD exomes 0.00010.
gnomAD v4.1: 34 of 1,613,978 alleles (0.0021%); highest among the groups gnomAD compares: Admixed American, 0.057%; no homozygotes.

Submissions (3):

Labcorp Genetics (formerly Invitae), Labcorp
Classification: Uncertain significance. Last evaluated: 2025-11-25. Review status: criteria provided, single submitter. Criteria: Invitae Variant Classification Sherloc (09022015). Collection method: clinical testing. Allele origin: germline.
Comment: This sequence change replaces glycine, which is neutral and non-polar, with alanine, which is neutral and non-polar, at codon 1078 of the LAMB1 protein (p.Gly1078Ala). This variant is present in population databases (rs757119614, gnomAD 0.07%). This variant has not been reported in the literature in individuals affected with LAMB1-related conditions. ClinVar contains an entry for this variant (Variation ID: 1311216). An algorithm developed to predict the effect of missense changes on protein structure and function (PolyPhen-2) suggests that this variant is likely to be disruptive. In summary, the available evidence is currently insufficient to determine the role of this variant in disease. Therefore, it has been classified as a Variant of Uncertain Significance.

Ambry Genetics
Classification: Uncertain significance for Inborn genetic diseases. Last evaluated: 2023-10-02. Review status: criteria provided, single submitter. Criteria: Ambry Variant Classification Scheme 2023. Collection method: clinical testing. Allele origin: germline.

GeneDx
Classification: Uncertain significance. Last evaluated: 2019-12-26. Review status: criteria provided, single submitter. Criteria: GeneDx Variant Classification Process June 2021. Collection method: clinical testing. Allele origin: germline. Affected: yes.
Comment: In silico analysis, which includes protein predictors and evolutionary conservation, supports a deleterious effect; Has not been previously published as pathogenic or benign to our knowledge